The following is an entry in ClinVar:

ClinVar aggregate classification (germline): Uncertain significance. Review status: criteria provided, multiple submitters, no conflicts (2 of 4 stars). 2 submissions from 2 submitters: Uncertain significance (2). Last evaluated 2023-11-29.

Conditions:
Inborn genetic diseases. Identifiers: MedGen C0950123, MeSH D030342.
Myopathy, proximal, and ophthalmoplegia (CMYO6). Also called: CONGENITAL MYOPATHY 6 WITH OPHTHALMOPLEGIA; MYOPATHY WITH CONGENITAL JOINT CONTRACTURES, OPHTHALMOPLEGIA, AND RIMMED VACUOLES; INCLUSION BODY MYOPATHY 3, AUTOSOMAL DOMINANT. Identifiers: Orphanet 363677, Orphanet 79091, MedGen C1854106, MONDO:0011577, OMIM 605637.

Allele frequency attached by ClinVar (database versions not stated): gnomAD exomes below 0.00001.
gnomAD v4.1: 4 of 1,614,196 alleles (0.00025%); highest among the groups gnomAD compares: Non-Finnish European, 0.00025%; no homozygotes.

Submissions (2):

Ambry Genetics
Classification: Uncertain significance for Inborn genetic diseases. Last evaluated: 2023-11-29. Review status: criteria provided, single submitter. Criteria: Ambry Variant Classification Scheme 2023. Collection method: clinical testing. Allele origin: germline.

Labcorp Genetics (formerly Invitae), Labcorp
Classification: Uncertain significance for Myopathy, proximal, and ophthalmoplegia. Last evaluated: 2022-07-03. Review status: criteria provided, single submitter. Criteria: Invitae Variant Classification Sherloc (09022015). Collection method: clinical testing. Allele origin: germline.
Comment: This sequence change replaces glutamine, which is neutral and polar, with histidine, which is basic and polar, at codon 1477 of the MYH2 protein (p.Gln1477His). This variant is present in population databases (no rsID available, gnomAD 0.002%). This variant has not been reported in the literature in individuals affected with MYH2-related conditions. Algorithms developed to predict the effect of missense changes on protein structure and function are either unavailable or do not agree on the potential impact of this missense change (SIFT: "Deleterious"; PolyPhen-2: "Benign"; Align-GVGD: "Class C15"). In summary, the available evidence is currently insufficient to determine the role of this variant in disease. Therefore, it has been classified as a Variant of Uncertain Significance.

NM_017534.6(MYH2):c.4431G>C (p.Gln1477His)

Genes: MYHAS (myosin heavy chain gene cluster antisense RNA; plus strand), MYH2 (myosin heavy chain 2; minus strand), LOC126862500 (BRD4-independent group 4 enhancer GRCh37_chr17:10427829-10429028; plus strand). Cytogenetic location: 17p13.1.
Variant type: single nucleotide variant.
Coding change: c.4431G>C on transcript NM_017534.6 (MANE Select); coding-DNA position 4431, G replaced by C.
Protein change: p.Gln1477His; replaces glutamine 1477 with histidine.
Molecular consequence: missense variant.
Genome position (GRCh38, 1-based): chr17:10,525,557, C>G on the plus strand (G>C on the coding strand, the complement: MYH2 is on the minus strand). VCF-style: chr17-10525557-C-G. GRCh37 (hg19) VCF-style: chr17-10428874-C-G.
Other names: c.4431G>C, p.Gln1477His (NM_001100112.2); c.4431G>C (NM_017534.5); short protein forms Q1477H.
Identifiers: ClinVar variation 2168656 (VCV002168656.5), dbSNP rs1294938712, ClinGen allele CA398125857.
Genomic context (GRCh38, chr17:10,525,557, plus strand): 5'-AGATTCCTCATAGGCATTCTTTATCTTGAACAGCTCAGTGCCAAGGGAACGGGCCTCCTT[C>G]TGGGAGGCCTCAAGCTCAGCATGCGTTTCCTCACATTTCTGTTTCCATTCTGCCAGGATC-3'
Protein context (NP_060004.3, residues 1467-1487): EETHAELEAS[Gln1477His]KEARSLGTEL